The following is an entry in ClinVar:

NM_004638.4(PRRC2A):c.*9C>T

Gene: PRRC2A (proline rich coiled-coil 2A; plus strand). Cytogenetic location: 6p21.33.
Variant type: single nucleotide variant.
Coding change: c.*9C>T on transcript NM_004638.4 (MANE Select); 9 bases downstream of the stop codon, C replaced by T.
Molecular consequence: 3 prime UTR variant.
Genome position (GRCh38, 1-based): chr6:31,637,595, C>T. VCF-style: chr6-31637595-C-T. GRCh37 (hg19) VCF-style: chr6-31605372-C-T.
Other names: c.*9C>T (NM_080686.3).
Identifiers: ClinVar variation 3040386 (VCV003040386.2), dbSNP rs372160042, ClinGen allele CA3716900.

ClinVar aggregate classification (germline): Likely benign (0 of 4 stars; one submission).

Conditions:
PRRC2A-related disorder. Also called: PRRC2A-related condition.

Allele frequency attached by ClinVar (database versions not stated): 1000 Genomes Project 0.00020; 1000 Genomes Project 30x 0.00031; gnomAD exomes 0.00037; ESP Exome Variant Server 0.00060; ExAC 0.00065; TOPMed 0.00075; gnomAD 0.00085.
gnomAD v4.1: 626 of 1,478,582 alleles (0.042%); highest among the groups gnomAD compares: Middle Eastern, 0.41%; 2 homozygotes.

Submission:

PreventionGenetics, part of Exact Sciences
Classification: Likely benign for PRRC2A-related condition. Last evaluated: 2019-12-16. Review status: no assertion criteria provided. Collection method: clinical testing. Allele origin: germline.
Comment: This variant is classified as likely benign based on ACMG/AMP sequence variant interpretation guidelines (Richards et al. 2015 PMID: 25741868, with internal and published modifications).